The following is an entry in ClinVar:

NM_018344.6(SLC29A3):c.31C>T (p.His11Tyr)

Gene: SLC29A3 (solute carrier family 29 member 3; plus strand). Cytogenetic location: 10q22.1.
Variant type: single nucleotide variant.
Coding change: c.31C>T on transcript NM_018344.6 (MANE Select); coding-DNA position 31, C replaced by T.
Protein change: p.His11Tyr; replaces histidine 11 with tyrosine.
Molecular consequence: missense variant. On other transcripts: 5 prime UTR variant (1), non-coding transcript variant (2).
Genome position (GRCh38, 1-based): chr10:71,322,785, C>T. VCF-style: chr10-71322785-C-T. GRCh37 (hg19) VCF-style: chr10-73082542-C-T.
Other names: c.31C>T, p.His11Tyr (NM_001174098.2); c.-204C>T (NM_001363518.2); short protein forms H11Y.
Identifiers: ClinVar variation 3691752 (VCV003691752.2).

ClinVar aggregate classification (germline): Uncertain significance (1 of 4 stars; one submission).

Conditions:
H syndrome. Also called: FAISALABAD HISTIOCYTOSIS; Asrar Facharzt Haque syndrome; HISTIOCYTOSIS AND LYMPHADENOPATHY WITH OR WITHOUT CUTANEOUS, CARDIAC, AND/OR ENDOCRINE FEATURES, JOINT CONTRACTURES, AND/OR DEAFNESS; HYPERPIGMENTATION, CUTANEOUS, WITH HYPERTRICHOSIS, HEPATOSPLENOMEGALY, HEART ANOMALIES, AND HYPOGONADISM WITH OR WITHOUT HEARING LOSS; PIGMENTED HYPERTRICHOSIS WITH INSULIN-DEPENDENT DIABETES MELLITUS; ROSAI-DORFMAN DISEASE, FAMILIAL. Identifiers: Orphanet 168569, MedGen C1864445, MONDO:0011273, OMIM 602782.

gnomAD v4.1: 1 of 1,614,166 alleles (0.000062%); highest among the groups gnomAD compares: Non-Finnish European, 0.000085%; no homozygotes.

Submission:

Labcorp Genetics (formerly Invitae), Labcorp
Classification: Uncertain significance for H syndrome. Last evaluated: 2024-05-14. Review status: criteria provided, single submitter. Criteria: Invitae Variant Classification Sherloc (09022015). Collection method: clinical testing. Allele origin: germline.
Comment: This sequence change replaces histidine, which is basic and polar, with tyrosine, which is neutral and polar, at codon 11 of the SLC29A3 protein (p.His11Tyr). This variant is not present in population databases (gnomAD no frequency). This variant has not been reported in the literature in individuals affected with SLC29A3-related conditions. Advanced modeling of protein sequence and biophysical properties (such as structural, functional, and spatial information, amino acid conservation, physicochemical variation, residue mobility, and thermodynamic stability) performed at Invitae indicates that this missense variant is not expected to disrupt SLC29A3 protein function with a negative predictive value of 80%. In summary, the available evidence is currently insufficient to determine the role of this variant in disease. Therefore, it has been classified as a Variant of Uncertain Significance.